The following is an entry in ClinVar:

NM_000143.4(FH):c.904+9T>A

Gene: FH (fumarate hydratase; minus strand). Cytogenetic location: 1q43.
Variant type: single nucleotide variant.
Coding change: c.904+9T>A on transcript NM_000143.4 (MANE Select); 9 bases into the intron after coding-DNA position 904, T replaced by A.
Molecular consequence: intron variant.
Genome position (GRCh38, 1-based): chr1:241,505,994, A>T on the plus strand (T>A on the coding strand, the complement: FH is on the minus strand). VCF-style: chr1-241505994-A-T. GRCh37 (hg19) VCF-style: chr1-241669294-A-T.
Other names: c.904+9T>A (NM_000143.3).
Identifiers: ClinVar variation 1628018 (VCV001628018.10), dbSNP rs1467613193, ClinGen allele CA530378977.

ClinVar aggregate classification (germline): Likely benign. Review status: criteria provided, multiple submitters, no conflicts (2 of 4 stars). 3 submissions from 3 submitters: Likely benign (2). 1 of the submissions does not count toward it. Last evaluated 2025-12-21.

Conditions:
Hereditary leiomyomatosis and renal cell cancer. Also called: MULTIPLE CUTANEOUS AND UTERINE LEIOMYOMATA 1, WITH OR WITHOUT RENAL CELL CARCINOMA; LEIOMYOMA, MULTIPLE CUTANEOUS; Reed syndrome; Multiple cutaneous and uterine leiomyomatosis; Cutaneous leiomyomata with uterine leiomyomata; Leiomyoma, hereditary multiple, of skin. Identifiers: Orphanet 523, MedGen C1708350, MONDO:0007888, OMIM 150800, HP:0007437. Disease mechanism: loss of function.
Fumarase deficiency (FMRD). Also called: Fumaric aciduria; Fumarate Hydratase Deficiency. Identifiers: Orphanet 24, MedGen C0342770, MONDO:0011730, OMIM 606812.

Allele frequency attached by ClinVar (database versions not stated): gnomAD exomes below 0.00001; gnomAD 0.00001.
gnomAD v4.1: 2 of 1,613,200 alleles (0.00012%); highest among the groups gnomAD compares: South Asian, 0.0022%; no homozygotes.

Submissions (3):

Labcorp Genetics (formerly Invitae), Labcorp
Classification: Likely benign. Last evaluated: 2025-12-21. Review status: criteria provided, single submitter. Criteria: Invitae Variant Classification Sherloc (09022015). Collection method: clinical testing. Allele origin: germline.

Myriad Genetics, Inc.
Classification: Likely benign for Hereditary leiomyomatosis and renal cell cancer. Last evaluated: 2024-10-18. Review status: criteria provided, single submitter. Criteria: Myriad Autosomal Dominant, Autosomal Recessive and X-Linked Classification Criteria (2023). Collection method: clinical testing. Allele origin: unknown.
Comment: This variant is considered likely benign. This variant is intronic and is not expected to impact mRNA splicing.

Natera, Inc.
Classification: Uncertain significance for Fumarase Deficiency. Last evaluated: 2025-05-08. Review status: no assertion criteria provided. Collection method: clinical testing. Allele origin: germline. Not counted in ClinVar's aggregate classification.